The following is an entry in ClinVar:

ClinVar aggregate classification (germline): Likely benign. Review status: criteria provided, multiple submitters, no conflicts (2 of 4 stars). 2 submissions from 2 submitters: Likely benign (2). Last evaluated 2026-02-01.

Allele frequency attached by ClinVar (database versions not stated): 1000 Genomes Project 0.00020; 1000 Genomes Project 30x 0.00031; ESP Exome Variant Server 0.00041; gnomAD exomes 0.00041 and 0.00099; ExAC 0.00042; gnomAD 0.00048; TOPMed 0.00051.
gnomAD v4.1: 1,517 of 1,614,132 alleles (0.094%); highest among the groups gnomAD compares: Non-Finnish European, 0.12%; 2 homozygotes.

Submissions (2):

Labcorp Genetics (formerly Invitae), Labcorp
Classification: Likely benign. Last evaluated: 2026-02-01. Review status: criteria provided, single submitter. Criteria: Invitae Variant Classification Sherloc (09022015). Collection method: clinical testing. Allele origin: germline.

CeGaT Center for Human Genetics Tuebingen
Classification: Likely benign. Last evaluated: 2024-01-01. Review status: criteria provided, single submitter. Criteria: CeGaT Center For Human Genetics Tuebingen Variant Classification Criteria Version 2. Collection method: clinical testing. Allele origin: germline. Affected: yes. Observed: 1 variant allele.
Comment: POLR1A: BP4, BP7

NM_015425.6(POLR1A):c.3843G>T (p.Leu1281=)

Genes: POLR1A (RNA polymerase I subunit A; minus strand), LOC106783498 (conserved acetylation island sequence 34 enhancer; plus strand). Cytogenetic location: 2p11.2.
Variant type: single nucleotide variant.
Coding change: c.3843G>T on transcript NM_015425.6 (MANE Select); coding-DNA position 3843, G replaced by T.
Protein change: p.Leu1281=; no amino-acid change (leucine 1281 retained).
Molecular consequence: synonymous variant.
Genome position (GRCh38, 1-based): chr2:86,039,360, C>A on the plus strand (G>T on the coding strand, the complement: POLR1A is on the minus strand). VCF-style: chr2-86039360-C-A. GRCh37 (hg19) VCF-style: chr2-86266483-C-A.
Identifiers: ClinVar variation 727530 (VCV000727530.32), dbSNP rs200866831, ClinGen allele CA1745670.
Genomic context (GRCh38, chr2:86,039,360, plus strand): 5'-CTGCAACCTGGGAAGGAGAGACGTTACCTCCCCCAAGCACACCCTGGTGAGTTGCTTCTT[C>A]AGGCTTTTCACTCTCTTCAGGGCTTTCTTGGTGTTGAGCACGGGCACGCTCATCATGGGT-3'
Protein context (NP_056240.2, residues 1271-1291): TKKALKRVKS[Leu1281=]KKQLTRVCLG